The following is an entry in ClinVar:

ClinVar aggregate classification (germline): Uncertain significance. Review status: criteria provided, multiple submitters, no conflicts (2 of 4 stars). 2 submissions from 2 submitters: Uncertain significance (2). Last evaluated 2024-11-15.

Conditions:
Inborn genetic diseases. Identifiers: MedGen C0950123, MeSH D030342.

Allele frequency attached by ClinVar (database versions not stated): gnomAD exomes 0.00002 and 0.00003; gnomAD 0.00003 and 0.00004; TOPMed 0.00005; 1000 Genomes Project 0.00020; 1000 Genomes Project 30x 0.00031; ExAC 0.00002.
gnomAD v4.1: 38 of 1,612,644 alleles (0.0024%); highest among the groups gnomAD compares: Admixed American, 0.013%; no homozygotes.

Submissions (3):

Ambry Genetics
Classification: Uncertain significance for Inborn genetic diseases. Last evaluated: 2024-11-15. Review status: criteria provided, single submitter. Criteria: Ambry Variant Classification Scheme 2023. Collection method: clinical testing. Allele origin: germline.

Labcorp Genetics (formerly Invitae), Labcorp
Classification: Uncertain significance. Last evaluated: 2022-09-01. Review status: criteria provided, single submitter. Criteria: Invitae Variant Classification Sherloc (09022015). Collection method: clinical testing. Allele origin: germline.
Comment: Algorithms developed to predict the effect of sequence changes on RNA splicing suggest that this variant may disrupt the consensus splice site. This sequence change replaces threonine, which is neutral and polar, with alanine, which is neutral and non-polar, at codon 275 of the FASTKD2 protein (p.Thr275Ala). This variant is present in population databases (rs200827808, gnomAD 0.01%). This variant has not been reported in the literature in individuals affected with FASTKD2-related conditions. ClinVar contains an entry for this variant (Variation ID: 1480681). Algorithms developed to predict the effect of missense changes on protein structure and function output the following: SIFT: "Tolerated"; PolyPhen-2: "Benign"; Align-GVGD: "Class C0". The alanine amino acid residue is found in multiple mammalian species, which suggests that this missense change does not adversely affect protein function. In summary, the available evidence is currently insufficient to determine the role of this variant in disease. Therefore, it has been classified as a Variant of Uncertain Significance.

Dr. Peter K. Rogan Lab, Western University
No classification provided (evidence only). Condition: Malignant tumor of esophagus. Review status: no classification provided. Collection method: in vitro. Allele origin: not applicable. Functional consequence: retained intron. Not counted in ClinVar's aggregate classification.

NM_001136193.2(FASTKD2):c.823A>G (p.Thr275Ala)

Genes: FASTKD2 (FAST kinase domains 2; plus strand), LOC126806484 (CDK7 strongly-dependent group 2 enhancer GRCh37_chr2:207634423-207635622; plus strand). Cytogenetic location: 2q33.3.
Variant type: single nucleotide variant.
Coding change: c.823A>G on transcript NM_001136193.2 (MANE Select); coding-DNA position 823, A replaced by G.
Protein change: p.Thr275Ala; replaces threonine 275 with alanine.
Molecular consequence: missense variant.
Genome position (GRCh38, 1-based): chr2:206,770,136, A>G. VCF-style: chr2-206770136-A-G. GRCh37 (hg19) VCF-style: chr2-207634860-A-G.
Other names: c.823A>G, p.Thr275Ala (NM_001136194.2, NM_014929.4); c.823A>G (NM_014929.3); short protein forms T275A.
Identifiers: ClinVar variation 1480681 (VCV001480681.7), dbSNP rs200827808, ClinGen allele CA2074975.